The following is an entry in ClinVar:

NM_018100.4(EFHC1):c.1565A>G (p.Gln522Arg)

Gene: EFHC1 (EF-hand domain containing 1; plus strand). Cytogenetic location: 6p12.2.
Variant type: single nucleotide variant.
Coding change: c.1565A>G on transcript NM_018100.4 (MANE Select); coding-DNA position 1565, A replaced by G.
Protein change: p.Gln522Arg; replaces glutamine 522 with arginine.
Molecular consequence: missense variant. On other transcripts: non-coding transcript variant (1).
Genome position (GRCh38, 1-based): chr6:52,479,712, A>G. VCF-style: chr6-52479712-A-G. GRCh37 (hg19) VCF-style: chr6-52344510-A-G.
Other names: c.1508A>G, p.Gln503Arg (NM_001172420.2); short protein forms Q522R, Q503R.
Identifiers: ClinVar variation 1042217 (VCV001042217.11), dbSNP rs752066434, ClinGen allele CA3856124.

ClinVar aggregate classification (germline): Uncertain significance. Review status: criteria provided, multiple submitters, no conflicts (2 of 4 stars). 2 submissions from 2 submitters: Uncertain significance (2). Last evaluated 2026-03-13.

Conditions:
Myoclonic epilepsy, juvenile, susceptibility to, 1. Also called: Myoclonic Epilepsy, Juvenile, 1; EJM1. Identifiers: MedGen C1850778, MONDO:0020752, OMIM 254770.
Absence seizure. Also called: Absence epilepsy. Identifiers: Orphanet 1941, MedGen C0014553.

Allele frequency attached by ClinVar (database versions not stated): gnomAD exomes below 0.00001 and 0.00001; gnomAD 0.00001; TOPMed 0.00001; ExAC 0.00002.
gnomAD v4.1: 5 of 1,614,110 alleles (0.00031%); highest among the groups gnomAD compares: African/African-American, 0.0013%; no homozygotes.

Submissions (2):

Women's Health and Genetics/Laboratory Corporation of America, LabCorp
Classification: Uncertain significance. Last evaluated: 2026-03-13. Review status: criteria provided, single submitter. Criteria: LabCorp Variant Classification Summary - May 2015. Collection method: clinical testing. Allele origin: germline.
Comment: Variant summary: EFHC1 c.1565A>G (p.Gln522Arg) results in a conservative amino acid change in the encoded protein sequence. Algorithms developed to predict the effect of missense changes on protein structure and function all suggest that this variant is likely to be tolerated. The variant allele was found at a frequency of 8e-06 in 251382 control chromosomes. The available data on variant occurrences in the general population are insufficient to allow any conclusion about variant significance. To our knowledge, no occurrence of c.1565A>G in individuals affected with EFHC1-related conditions and no experimental evidence demonstrating its impact on protein function have been reported. ClinVar contains an entry for this variant (Variation ID: 1042217). Based on the evidence outlined above, the variant was classified as uncertain significance.

Labcorp Genetics (formerly Invitae), Labcorp
Classification: Uncertain significance for Myoclonic epilepsy, juvenile, susceptibility to, 1; Absence seizure. Last evaluated: 2020-04-20. Review status: criteria provided, single submitter. Criteria: Invitae Variant Classification Sherloc (09022015). Collection method: clinical testing. Allele origin: germline.
Comment: This sequence change replaces glutamine with arginine at codon 522 of the EFHC1 protein (p.Gln522Arg). The glutamine residue is moderately conserved and there is a small physicochemical difference between glutamine and arginine. This variant is present in population databases (rs752066434, ExAC 0.003%). This variant has not been reported in the literature in individuals with EFHC1-related conditions. Algorithms developed to predict the effect of missense changes on protein structure and function (SIFT, PolyPhen-2, Align-GVGD) all suggest that this variant is likely to be tolerated, but these predictions have not been confirmed by published functional studies and their clinical significance is uncertain. In summary, the available evidence is currently insufficient to determine the role of this variant in disease. Therefore, it has been classified as a Variant of Uncertain Significance.